The following is an entry in ClinVar:

ClinVar aggregate classification (germline): Likely benign. Review status: criteria provided, multiple submitters, no conflicts (2 of 4 stars). 5 submissions from 5 submitters: Likely benign (4). 1 of the submissions does not count toward it. Last evaluated 2026-01-28.

Conditions:
ANK2-related disorder. Also called: ANK2-related condition.
Cardiovascular phenotype. Identifiers: MedGen CN230736.
Long QT syndrome (LQTS). Identifiers: MedGen C0023976, MeSH D008133, MONDO:0002442. Disease mechanism: loss of function. Inheritance: Various modes of inheritance.

Allele frequency attached by ClinVar (database versions not stated): gnomAD exomes 0.00002 and 0.00006; ExAC 0.00007; 1000 Genomes Project 30x 0.00016; 1000 Genomes Project 0.00020; TOPMed 0.00025; gnomAD 0.00027 and 0.00030; ESP Exome Variant Server 0.00031.
gnomAD v4.1: 67 of 1,614,070 alleles (0.0042%); highest among the groups gnomAD compares: African/African-American, 0.087%; no homozygotes.

Submissions (5):

Labcorp Genetics (formerly Invitae), Labcorp
Classification: Likely benign for Long QT syndrome. Last evaluated: 2026-01-28. Review status: criteria provided, single submitter. Criteria: Invitae Variant Classification Sherloc (09022015). Collection method: clinical testing. Allele origin: germline.

Women's Health and Genetics/Laboratory Corporation of America, LabCorp
Classification: Likely benign. Last evaluated: 2024-06-24. Review status: criteria provided, single submitter. Criteria: LabCorp Variant Classification Summary - May 2015. Collection method: clinical testing. Allele origin: germline.

Ambry Genetics
Classification: Likely benign for Cardiovascular phenotype. Last evaluated: 2019-06-06. Review status: criteria provided, single submitter. Criteria: Ambry Variant Classification Scheme 2023. Collection method: clinical testing. Allele origin: germline.

Biesecker Lab/Clinical Genomics Section, National Institutes of Health
Classification: Likely benign. Last evaluated: 2013-06-24. Review status: criteria provided, single submitter. Criteria: Ng et al. (Circ Cardiovasc Genet. 2013). Collection method: research. Allele origin: unknown. Observed: 1 variant allele. Study: ClinSeq.
Comment: The study set was not selected for affection status in relation to any cancer. Pathogenicity categories were based on literature curation. See Pubmed ID:23861362 for details.

Medical sequencing

PreventionGenetics, part of Exact Sciences
Classification: Likely benign for ANK2-related condition. Last evaluated: 2022-10-11. Review status: no assertion criteria provided. Collection method: clinical testing. Allele origin: germline. Not counted in ClinVar's aggregate classification.
Comment: This variant is classified as likely benign based on ACMG/AMP sequence variant interpretation guidelines (Richards et al. 2015 PMID: 25741868, with internal and published modifications).

NM_001148.6(ANK2):c.5371G>A (p.Val1791Ile)

Genes: ANK2 (ankyrin 2; plus strand), LOC126807136 (MED14-independent group 3 enhancer GRCh37_chr4:114274931-114276130; plus strand). Cytogenetic location: 4q26.
Variant type: single nucleotide variant.
Coding change: c.5371G>A on transcript NM_001148.6 (MANE Select); coding-DNA position 5371, G replaced by A.
Protein change: p.Val1791Ile; replaces valine 1791 with isoleucine.
Molecular consequence: missense variant. On other transcripts: intron variant (68).
Genome position (GRCh38, 1-based): chr4:113,353,989, G>A. VCF-style: chr4-113353989-G-A. GRCh37 (hg19) VCF-style: chr4-114275145-G-A.
Other names: c.5137G>A, p.Val1713Ile (NM_001386142.1); c.1771G>A, p.Val591Ile (NM_001386166.1); c.5512G>A, p.Val1838Ile (NM_001386174.1); c.5488G>A, p.Val1830Ile (NM_001386175.1); c.4411+3740G>A (NM_001386186.2, NM_001386148.2); c.4213+3740G>A (NM_001354269.3); c.4291+3740G>A (NM_001386187.2); c.4252+3740G>A (NM_001386147.1); and 35 more; short protein forms V1791I, V1713I, V1830I, V1838I, V591I.
Identifiers: ClinVar variation 191536 (VCV000191536.16), dbSNP rs148921195, ClinGen allele CA236932.